The following is an entry in ClinVar:

NM_000552.5(VWF):c.1666C>T (p.His556Tyr)

Gene: VWF (von Willebrand factor; minus strand). Cytogenetic location: 12p13.31.
Variant type: single nucleotide variant.
Coding change: c.1666C>T on transcript NM_000552.5 (MANE Select); coding-DNA position 1666, C replaced by T.
Protein change: p.His556Tyr; replaces histidine 556 with tyrosine.
Molecular consequence: missense variant.
Genome position (GRCh38, 1-based): chr12:6,057,912, G>A on the plus strand (C>T on the coding strand, the complement: VWF is on the minus strand). VCF-style: chr12-6057912-G-A. GRCh37 (hg19) VCF-style: chr12-6167078-G-A.
Other names: c.1666C>T (NM_000552.4); short protein forms H556Y.
Identifiers: ClinVar variation 4839163 (VCV004839163.2).

ClinVar aggregate classification (germline): Uncertain significance. Review status: criteria provided, multiple submitters, no conflicts (2 of 4 stars). 2 submissions from 2 submitters: Uncertain significance (2). Last evaluated 2026-01-09.

Conditions:
Inborn genetic diseases. Identifiers: MedGen C0950123, MeSH D030342.
VWF-related disorder. Also called: VWF-related disorders; VWF-related condition.

gnomAD v4.1: 2 of 1,613,206 alleles (0.00012%); highest among the groups gnomAD compares: Admixed American, 0.0017%; no homozygotes.

Submissions (2):

Ambry Genetics
Classification: Uncertain significance for Inborn genetic diseases. Last evaluated: 2026-01-09. Review status: criteria provided, single submitter. Criteria: Ambry Variant Classification Scheme 2023. Collection method: clinical testing. Allele origin: germline.

PreventionGenetics, part of Exact Sciences
Classification: Uncertain significance for VWF-related condition. Last evaluated: 2025-05-28. Review status: criteria provided, single submitter. Criteria: ACMG Guidelines, 2015. Collection method: clinical testing. Allele origin: germline.
Comment: The VWF c.1666C>T variant is predicted to result in the amino acid substitution p.His556Tyr. To our knowledge, this variant has not been reported in the literature or in a large population database (gnomAD), indicating this variant is rare. At this time, the clinical significance of this variant is uncertain due to the absence of conclusive functional and genetic evidence.